The following is an entry in ClinVar:

NM_004333.6(BRAF):c.36G>A (p.Ala12=)

Gene: BRAF (B-Raf proto-oncogene, serine/threonine kinase; minus strand). Cytogenetic location: 7q34.
Variant type: single nucleotide variant.
Coding change: c.36G>A on transcript NM_004333.6 (MANE Select); coding-DNA position 36, G replaced by A.
Protein change: p.Ala12=; no amino-acid change (alanine 12 retained).
Molecular consequence: synonymous variant.
Genome position (GRCh38, 1-based): chr7:140,924,668, C>T on the plus strand (G>A on the coding strand, the complement: BRAF is on the minus strand). VCF-style: chr7-140924668-C-T. GRCh37 (hg19) VCF-style: chr7-140624468-C-T.
Other names: p.A12A; NM_004333.4(BRAF):c.36G>A; c.36G>A, p.Ala12= (NM_001354609.2, NM_001374244.1, NM_001374258.1 and 7 more transcripts).
Identifiers: ClinVar variation 40333 (VCV000040333.58), dbSNP rs397507454, ClinGen allele CA281921.

ClinVar aggregate classification (germline): Benign. Review status: reviewed by expert panel (3 of 4 stars). 11 submissions from 10 submitters: Benign (1). 10 of the submissions do not count toward it. Last evaluated 2017-04-18.

Conditions:
Noonan syndrome and Noonan-related syndrome. Identifiers: Orphanet 98733, MedGen C5681679, MONDO:0020297.
BRAF-related disorder. Also called: BRAF-related condition.
Cardiovascular phenotype. Identifiers: MedGen CN230736.
RASopathy. Also called: rasopathies; Noonan spectrum disorder. Identifiers: Orphanet 536391, MedGen C5555857, MONDO:0021060.
Noonan syndrome 7 (NS7). Also called: BRAF-Related Noonan Syndrome. Identifiers: Orphanet 648, MedGen C3150970, MONDO:0013379, OMIM 613706.
LEOPARD syndrome 3 (LPRD3). Identifiers: Orphanet 500, MedGen C3150971, MONDO:0013380, OMIM 613707.

Allele frequency attached by ClinVar (database versions not stated): TOPMed 0.00007; gnomAD 0.00011 and 0.00018; 1000 Genomes Project 30x 0.00031; gnomAD exomes 0.00034 and 0.00073; ExAC 0.00145.
gnomAD v4.1: 409 of 1,295,162 alleles (0.032%); highest among the groups gnomAD compares: South Asian, 0.27%; 4 homozygotes.

Submissions (11):

ClinGen RASopathy Variant Curation Expert Panel
Classification: Benign for Noonan syndrome and Noonan-related syndrome. Last evaluated: 2017-04-18. Review status: reviewed by expert panel. Criteria: ClinGen RASopathy ACMG Specifications v1. Collection method: curation. Allele origin: germline. Inheritance: Autosomal dominant inheritance.
Comment: The filtering allele frequency of the c.36G>A (p.Ala12=) variant in the BRAF gene is 0.116% (14/7290) of Latino chromosomes by the Exome Aggregation Consortium, which is a high enough frequency to be classified as benign based on thresholds defined by the ClinGen RASopathy Expert Panel (BA1; PMID:29493581)

CeGaT Center for Human Genetics Tuebingen
Classification: Likely benign. Last evaluated: 2026-09-01. Review status: criteria provided, single submitter. Criteria: CeGaT Center For Human Genetics Tuebingen Variant Classification Criteria Version 2. Collection method: clinical testing. Allele origin: germline. Affected: yes. Observed: 8 variant alleles. Not counted in ClinVar's aggregate classification.
Comment: BRAF: BP4, BP7, BS1

Labcorp Genetics (formerly Invitae), Labcorp
Classification: Benign for RASopathy. Last evaluated: 2026-01-21. Review status: criteria provided, single submitter. Criteria: Invitae Variant Classification Sherloc (09022015). Collection method: clinical testing. Allele origin: germline. Not counted in ClinVar's aggregate classification.

Blueprint Genetics
Classification: Likely benign. Last evaluated: 2024-11-27. Review status: criteria provided, single submitter. Criteria: ACMG Guidelines, 2015. Collection method: clinical testing. Allele origin: germline. Not counted in ClinVar's aggregate classification.

Ambry Genetics
Classification: Likely benign for Cardiovascular phenotype. Last evaluated: 2022-05-14. Review status: criteria provided, single submitter. Criteria: Ambry Variant Classification Scheme 2023. Collection method: clinical testing. Allele origin: germline. Not counted in ClinVar's aggregate classification.

Women's Health and Genetics/Laboratory Corporation of America, LabCorp
Classification: Benign. Last evaluated: 2017-07-31. Review status: criteria provided, single submitter. Criteria: LabCorp Variant Classification Summary - May 2015. Collection method: clinical testing. Allele origin: germline. Not counted in ClinVar's aggregate classification.
Comment: Variant summary: The BRAF c.36G>A (p.Ala12Ala) variant involves the alteration of a non-conserved nucleotide, resulting in a synonymous change. One in silico tool predicts a damaging outcome for this variant. 3/5 splice prediction tools predict no significant impact on normal splicing. ESE finder predicts that this variant may affect ESE sites. However, these predictions have yet to be confirmed by functional studies. This variant was found in 83/134502 control chromosomes in genomAD at a frequency of 0.0006171, which is approximately 247 times the estimated maximal expected allele frequency of a pathogenic BRAF variant (0.0000025), suggesting this variant is likely a benign polymorphism. In addition, multiple clinical diagnostic laboratories/reputable databases classified this variant as benign/likely benign. The variant of interest has not, to our knowledge, been reported in affected individuals via publications; nor evaluated for functional impact by in vivo/vitro studies. Taken together, this variant is classified as benign.

Illumina Laboratory Services, Illumina
Classification: Likely benign for Noonan syndrome 7. Last evaluated: 2017-04-27. Review status: criteria provided, single submitter. Criteria: ICSL Variant Classification Criteria 13 December 2019. Collection method: clinical testing. Allele origin: germline. Not counted in ClinVar's aggregate classification.
Comment: This variant was observed as part of a predisposition screen in an ostensibly healthy population. A literature search was performed for the gene, cDNA change, and amino acid change (where applicable). No publications were found based on this search. Allele frequency data from public databases allowed determination this variant is unlikely to cause disease. Therefore, this variant is classified as likely benign.

Illumina Laboratory Services, Illumina
Classification: Likely benign for LEOPARD syndrome 3. Last evaluated: 2017-04-27. Review status: criteria provided, single submitter. Criteria: ICSL Variant Classification Criteria 13 December 2019. Collection method: clinical testing. Allele origin: germline. Not counted in ClinVar's aggregate classification.
Comment: the same text as in the submission from Illumina Laboratory Services, Illumina above.

Genome Diagnostics Laboratory, The Hospital for Sick Children
Classification: Likely benign for Noonan syndrome and Noonan-related syndrome. Last evaluated: 2016-12-12. Review status: criteria provided, single submitter. Criteria: ACMG Guidelines, 2015. Collection method: clinical testing. Allele origin: germline. Not counted in ClinVar's aggregate classification.

GeneDx
Classification: Benign. Last evaluated: 2015-03-03. Review status: criteria provided, single submitter. Criteria: GeneDx Variant Classification Process June 2021. Collection method: clinical testing. Allele origin: germline. Affected: yes. Not counted in ClinVar's aggregate classification.

PreventionGenetics, part of Exact Sciences
Classification: Likely benign for BRAF-related condition. Last evaluated: 2020-08-17. Review status: no assertion criteria provided. Collection method: clinical testing. Allele origin: germline. Not counted in ClinVar's aggregate classification.
Comment: This variant is classified as likely benign based on ACMG/AMP sequence variant interpretation guidelines (Richards et al. 2015 PMID: 25741868, with internal and published modifications).